The following is an entry in ClinVar:

NM_001377.3(DYNC2H1):c.5983G>A (p.Ala1995Thr)

Gene: DYNC2H1 (dynein cytoplasmic 2 heavy chain 1; plus strand). Cytogenetic location: 11q22.3.
Variant type: single nucleotide variant.
Coding change: c.5983G>A on transcript NM_001377.3 (MANE Select); coding-DNA position 5983, G replaced by A.
Protein change: p.Ala1995Thr; replaces alanine 1995 with threonine.
Molecular consequence: missense variant.
Genome position (GRCh38, 1-based): chr11:103,177,664, G>A. VCF-style: chr11-103177664-G-A. GRCh37 (hg19) VCF-style: chr11-103048393-G-A.
Other names: chr11:103177664G>A; c.5983G>A, p.Ala1995Thr (NM_001080463.2); short protein forms A1995T.
Identifiers: ClinVar variation 419236 (VCV000419236.59), dbSNP rs552436294, ClinGen allele CA6253872.

ClinVar aggregate classification (germline): Pathogenic/Likely pathogenic. Review status: criteria provided, multiple submitters, no conflicts (2 of 4 stars). 12 submissions from 10 submitters: Pathogenic (6); Likely pathogenic (1). 5 of the submissions do not count toward it. Last evaluated 2026-01-20.

Conditions:
Autosomal dominant Robinow syndrome 2. Identifiers: Orphanet 3107, Orphanet 97360, MedGen C4225363, MONDO:0014591, OMIM 616331.
Jeune thoracic dystrophy. Also called: Jeune syndrome; Infantile thoracic dystrophy; Thoracic pelvic phalangeal dystrophy; Jeune's syndrome; Chondroectodermal dysplasia-like syndrome; Short-rib thoracic dysplasia. Identifiers: Orphanet 474, MedGen C0265275, MONDO:0018770.
DYNC2H1-related disorder. Also called: DYNC2H1-related condition; DYNC2H1-related disorders. Identifiers: MedGen CN378770.
Asphyxiating thoracic dystrophy 3. Also called: Saldino-Noonan Syndrome; SHORT-RIB THORACIC DYSPLASIA 3 WITH OR WITHOUT POLYDACTYLY; POLYDACTYLY WITH NEONATAL CHONDRODYSTROPHY, TYPE I; SHORT-RIB THORACIC DYSPLASIA 3/6 WITH POLYDACTYLY, DIGENIC; Short rib polydactyly syndrome 2B. Identifiers: Orphanet 474, Orphanet 93269, Orphanet 93270, Orphanet 93271, MedGen C0036069, MONDO:0013127, OMIM 613091.

Allele frequency attached by ClinVar (database versions not stated): gnomAD exomes 0.00002 and 0.00003; ExAC 0.00003; 1000 Genomes Project 30x 0.00016; 1000 Genomes Project 0.00020; TOPMed 0.00020; gnomAD 0.00011.
gnomAD v4.1: 62 of 1,613,374 alleles (0.0038%); highest among the groups gnomAD compares: Admixed American, 0.038%; no homozygotes.

Submissions (12):

Labcorp Genetics (formerly Invitae), Labcorp
Classification: Pathogenic for Jeune thoracic dystrophy. Last evaluated: 2026-01-20. Review status: criteria provided, single submitter. Criteria: Invitae Variant Classification Sherloc (09022015). Collection method: clinical testing. Allele origin: germline.
Comment: This sequence change replaces alanine, which is neutral and non-polar, with threonine, which is neutral and polar, at codon 1995 of the DYNC2H1 protein (p.Ala1995Thr). This variant is present in population databases (rs552436294, gnomAD 0.009%). This missense change has been observed in individual(s) with clinical features of short-rib polydactyly syndrome (PMID: 29068549, 32494556). In at least one individual the data is consistent with being in trans (on the opposite chromosome) from a pathogenic variant. ClinVar contains an entry for this variant (Variation ID: 419236). Invitae Evidence Modeling of protein sequence and biophysical properties (such as structural, functional, and spatial information, amino acid conservation, physicochemical variation, residue mobility, and thermodynamic stability) has been performed for this missense variant. However, the output from this modeling did not meet the statistical confidence thresholds required to predict the impact of this variant on DYNC2H1 protein function. For these reasons, this variant has been classified as Pathogenic.

Laboratory of Functional Genomics, Research Centre for Medical Genetics
Classification: Pathogenic for Asphyxiating thoracic dystrophy 3. Last evaluated: 2025-11-30. Review status: criteria provided, single submitter. Criteria: ACMG Guidelines, 2015. Collection method: clinical testing. Allele origin: paternal. Inheritance: Autosomal recessive inheritance. Affected: yes. Observed: 1 variant allele, 1 compound heterozygote.
Comment: Structural analysis using X-ray crystallography (PDB ID: 4RH7) and AlphaFold3 revealed that the variant is located in close proximity to the catalytic center of the AAA2 domain and may negatively affect ATPase activity. The affected residue demonstrates high evolutionary conservation. This variant has been previously described in patients with DYNC2H1-related SRTD and has been classified as pathogenic in multiple submissions. According to the ACMG 2015 guidelines (criteria PM2, PM1, PM3, PP3), the c.5983G>A ariant is classified as likely pathogenic.

Johns Hopkins Genomics, Johns Hopkins University
Classification: Pathogenic for Autosomal dominant Robinow syndrome 2. Last evaluated: 2024-11-21. Review status: criteria provided, single submitter. Criteria: ACMG Guidelines, 2015. Collection method: clinical testing. Allele origin: germline.
Comment: This DYNC2H1 variant (rs552436294) is rare (<0.1%) in a large population dataset (gnomADv2.1.1: 4/248298 total alleles; MAF 0.002%; no homozygotes) and has been reported in ClinVar. This missense variant has been detected in multiple unrelated individuals with SRTD3 and on the opposite chromosome (in trans) of a pathogenic DYNC2H1 variant. Two bioinformatic tools queried predict that this substitution would be damaging, and the alanine residue at this position is evolutionarily conserved across most of the vertebrate species assessed. Bioinformatic analysis predicts that this missense variant would not affect normal exon 38 splicing, although this has not been confirmed experimentally to our knowledge. We consider c.5983G>A (p.Ala1995Thr) to be pathogenic for autosomal recessive short-rib thoracic dysplasia-3.

3billion
Classification: Pathogenic for Asphyxiating thoracic dystrophy 3. Last evaluated: 2024-10-23. Review status: criteria provided, single submitter. Criteria: ACMG Guidelines, 2015. Collection method: clinical testing. Allele origin: germline. Affected: yes.
Comment: The variant is observed at an extremely low frequency in the gnomAD v4.1.0 dataset (total allele frequency: 0.004%). Predicted Consequence/Location: Missense variant The same nucleotide change resulting in the same amino acid change has been previously reported as pathogenic/likely pathogenic with strong evidence (ClinVar ID: VCV000419236 /PMID: 29068549).The variant has been reported to be in trans with a pathogenic variant as either compound heterozygous or homozygous in at least 2 similarly affected unrelated individuals (PMID: 29068549, 32494556).A different missense change at the same codon (p.Ala1995Val) has been reported to be associated with DYNC2H1 related disorder (ClinVar ID: VCV000446619 /PMID: 29068549). Therefore, this variant is classified as Pathogenic according to the recommendation of ACMG/AMP guideline.

ARUP Laboratories, Molecular Genetics and Genomics, ARUP Laboratories
Classification: Pathogenic for Asphyxiating thoracic dystrophy 3. Last evaluated: 2024-10-21. Review status: criteria provided, single submitter. Criteria: ARUP Molecular Germline Variant Investigation Process 2024. Collection method: clinical testing. Allele origin: germline.
Comment: The DYNC2H1 c.5983G>A; p.Ala1995Thr variant (rs552436294, ClinVar Variation ID: 419236) is reported in the literature in multiple individuals affected with Short-rib thoracic dysplasia who also carry a pathogenic variant in trans (Geng 2020, Zhang 2018). This variant is found in the Admixed American population with an overall allele frequency of 0.009% (3/34206 alleles) in the Genome Aggregation Database (v2.1.1). Computational analyses are uncertain whether this variant is neutral or deleterious (REVEL: 0.286). Based on available information, this variant is considered to be pathogenic. References: Geng K et al. Identification of novel compound heterozygous mutations of the DYNC2H1 gene in a fetus with short-rib thoracic dysplasia 3 with or without polydactyly. Intractable Rare Dis Res. 2020 May;9(2):95-98. PMID: 32494556. Zhang W et al. Expanding the genetic architecture and phenotypic spectrum in the skeletal ciliopathies. Hum Mutat. 2018 Jan;39(1):152-166. PMID: 29068549.

Fulgent Genetics
Classification: Likely pathogenic for Asphyxiating thoracic dystrophy 3. Last evaluated: 2024-01-22. Review status: criteria provided, single submitter. Criteria: ACMG Guidelines, 2015. Collection method: clinical testing. Allele origin: germline.

GeneDx
Classification: Pathogenic. Last evaluated: 2023-01-27. Review status: criteria provided, single submitter. Criteria: GeneDx Variant Classification Process June 2021. Collection method: clinical testing. Allele origin: germline. Affected: yes.
Comment: Not observed at a significant frequency in large population cohorts (gnomAD); In silico analysis, which includes protein predictors and evolutionary conservation, supports a deleterious effect; This variant is associated with the following publications: (PMID: 31589614, 29068549, 32494556)

PreventionGenetics, part of Exact Sciences
Classification: Pathogenic for DYNC2H1-related condition. Last evaluated: 2023-12-06. Review status: no assertion criteria provided. Collection method: clinical testing. Allele origin: germline. Not counted in ClinVar's aggregate classification.
Comment: The DYNC2H1 c.5983G>A variant is predicted to result in the amino acid substitution p.Ala1995Thr. This variant was reported in at least four unrelated cases of short rib-polydactyly syndrome, type 3 (Table S2, Zhang et al. 2018. PubMed ID: 29068549; Geng et al. 2020. PubMed ID: 32494556). A different substitution affecting the same amino acid (p.Ala1995Val) was also reported in patients with short rib-polydactyly syndrome (Table S2, Zhang et al. 2018. PubMed ID: 29068549). This variant is reported in 0.0088% of alleles in individuals of Latino descent in gnomAD. This variant is interpreted as pathogenic.

Dan Cohn Lab, University Of California Los Angeles
Classification: Pathogenic for Asphyxiating thoracic dystrophy 3. Last evaluated: 2017-06-01. Review status: no assertion criteria provided. Collection method: research. Allele origin: paternal, unknown, inherited. Affected: yes. Not counted in ClinVar's aggregate classification.

Dan Cohn Lab, University Of California Los Angeles
Classification: Pathogenic for Asphyxiating thoracic dystrophy. Last evaluated: 2017-06-01. Review status: no assertion criteria provided. Collection method: research. Allele origin: maternal. Affected: yes. Not counted in ClinVar's aggregate classification.

University of Washington Center for Mendelian Genomics, University of Washington
Classification: Likely pathogenic for Asphyxiating thoracic dystrophy 3. Review status: no assertion criteria provided. Collection method: research. Allele origin: inherited. Affected: yes. Not counted in ClinVar's aggregate classification.

University of Washington Center for Mendelian Genomics, University of Washington
Classification: Likely pathogenic for asphyxiating thoracic dystrophy. Review status: no assertion criteria provided. Collection method: research. Allele origin: inherited. Affected: yes. Not counted in ClinVar's aggregate classification.

Literature cited by the submitters: PubMed 29068549 (cited by 5 submitters); PubMed 32494556 (cited by 3 submitters); PubMed 31589614 (cited by Johns Hopkins Genomics, Johns Hopkins University); PubMed 37906140 (cited by Johns Hopkins Genomics, Johns Hopkins University).